The following is an entry in ClinVar:

ClinVar aggregate classification (germline): Likely pathogenic (1 of 4 stars; one submission).

Submission:

Labcorp Genetics (formerly Invitae), Labcorp
Classification: Likely pathogenic. Last evaluated: 2022-06-13. Review status: criteria provided, single submitter. Criteria: Invitae Variant Classification Sherloc (09022015). Collection method: clinical testing. Allele origin: germline.
Comment: In summary, the currently available evidence indicates that the variant is pathogenic, but additional data are needed to prove that conclusively. Therefore, this variant has been classified as Likely Pathogenic. This variant has not been reported in the literature in individuals affected with PCDH15-related conditions. This variant results in a copy number gain of the genomic region encompassing exon(s) 4-8 of the PCDH15 gene. While the exact position of this variant cannot be determined from the data, sub-genic copy number gains are generally in tandem (PMID: 25640679). This variant is predicted to be out-of-frame, and may result in an absent or disrupted protein product. Loss-of-function variants in PCDH15 are known to be pathogenic (PMID: 11398101, 11487575, 14570705).

Literature cited by the submitters: PubMed 25640679; PubMed 11398101; PubMed 11487575; PubMed 14570705.

NC_000010.10:g.(?_56077021)_(56138712_?)dup

Gene: PCDH15 (protocadherin related 15; minus strand). Cytogenetic location: 10q21.1.
Variant type: Duplication.
Identifiers: ClinVar variation 2427107 (VCV002427107.4).